The following is an entry in ClinVar:

ClinVar aggregate classification (germline): Likely benign. Review status: criteria provided, multiple submitters, no conflicts (2 of 4 stars). 2 submissions from 2 submitters: Likely benign (2). Last evaluated 2022-11-03.

Conditions:
Hypertrophic cardiomyopathy. Also called: HYPERTROPHIC MYOCARDIOPATHY. Identifiers: Orphanet 217569, MedGen C0007194, MeSH D002312, MONDO:0005045, HP:0001639.

gnomAD v4.1: 2 of 1,605,656 alleles (0.00012%); highest among the groups gnomAD compares: Non-Finnish European, 0.000085%; no homozygotes.

Submissions (2):

Labcorp Genetics (formerly Invitae), Labcorp
Classification: Likely benign for Hypertrophic cardiomyopathy. Last evaluated: 2022-11-03. Review status: criteria provided, single submitter. Criteria: Invitae Variant Classification Sherloc (09022015). Collection method: clinical testing. Allele origin: germline.

GeneDx
Classification: Likely benign. Last evaluated: 2017-11-16. Review status: criteria provided, single submitter. Criteria: GeneDx Variant Classification (06012015). Collection method: clinical testing. Allele origin: germline. Affected: yes.
Comment: This variant is considered likely benign or benign based on one or more of the following criteria: it is a conservative change, it occurs at a poorly conserved position in the protein, it is predicted to be benign by multiple in silico algorithms, and/or has population frequency not consistent with disease.

NC_000011.10:g.47332059G>T

Gene: MYBPC3 (myosin binding protein C3; minus strand). Cytogenetic location: 11p11.2.
Variant type: single nucleotide variant.
Genome position: GRCh38 VCF-style: chr11-47332059-G-T. GRCh37 (hg19) VCF-style: chr11-47353610-G-T.
Other names: c.3814+13C>A (LRG_386t1, NM_000256.3).
Identifiers: ClinVar variation 513377 (VCV000513377.5), dbSNP rs764528392, ClinGen allele CA658797618.